The following is an entry in ClinVar:

ClinVar aggregate classification (germline): Uncertain significance. Review status: criteria provided, multiple submitters, no conflicts (2 of 4 stars). 2 submissions from 2 submitters: Uncertain significance (2). Last evaluated 2024-05-28.

Conditions:
Inborn genetic diseases. Identifiers: MedGen C0950123, MeSH D030342.
Bethlem myopathy 1A. Also called: Bethlem Muscular Dystrophy; MYOPATHY, BENIGN CONGENITAL, WITH CONTRACTURES; Bethlem myopathy 1. Identifiers: Orphanet 610, MedGen CN029274, MONDO:0024530, OMIM 158810.

Allele frequency attached by ClinVar (database versions not stated): gnomAD exomes below 0.00001.
gnomAD v4.1: 6 of 1,614,152 alleles (0.00037%); highest among the groups gnomAD compares: Middle Eastern, 0.033%; no homozygotes.

Submissions (2):

Ambry Genetics
Classification: Uncertain significance for Inborn genetic diseases. Last evaluated: 2024-05-28. Review status: criteria provided, single submitter. Criteria: Ambry Variant Classification Scheme 2023. Collection method: clinical testing. Allele origin: germline.

Labcorp Genetics (formerly Invitae), Labcorp
Classification: Uncertain significance for Bethlem myopathy 1A. Last evaluated: 2023-06-28. Review status: criteria provided, single submitter. Criteria: Invitae Variant Classification Sherloc (09022015). Collection method: clinical testing. Allele origin: germline.
Comment: In summary, the available evidence is currently insufficient to determine the role of this variant in disease. Therefore, it has been classified as a Variant of Uncertain Significance. Advanced modeling of protein sequence and biophysical properties (such as structural, functional, and spatial information, amino acid conservation, physicochemical variation, residue mobility, and thermodynamic stability) performed at Invitae indicates that this missense variant is not expected to disrupt COL6A3 protein function. ClinVar contains an entry for this variant (Variation ID: 476564). This variant has not been reported in the literature in individuals affected with COL6A3-related conditions. This variant is not present in population databases (gnomAD no frequency). This sequence change replaces proline, which is neutral and non-polar, with serine, which is neutral and polar, at codon 2882 of the COL6A3 protein (p.Pro2882Ser).

NM_004369.4(COL6A3):c.8644C>T (p.Pro2882Ser)

Gene: COL6A3 (collagen type VI alpha 3 chain; minus strand). Cytogenetic location: 2q37.3.
Variant type: single nucleotide variant.
Coding change: c.8644C>T on transcript NM_004369.4 (MANE Select); coding-DNA position 8644, C replaced by T.
Protein change: p.Pro2882Ser; replaces proline 2882 with serine.
Molecular consequence: missense variant.
Genome position (GRCh38, 1-based): chr2:237,336,456, G>A on the plus strand (C>T on the coding strand, the complement: COL6A3 is on the minus strand). VCF-style: chr2-237336456-G-A. GRCh37 (hg19) VCF-style: chr2-238245099-G-A.
Other names: c.6823C>T, p.Pro2275Ser (NM_057166.5); c.8026C>T, p.Pro2676Ser (NM_057167.4); short protein forms P2882S, P2275S, P2676S.
Identifiers: ClinVar variation 476564 (VCV000476564.10), dbSNP rs1553544899, ClinGen allele CA351191927.